The following is an entry in ClinVar:

NM_001348800.3(ZBTB20):c.691dup (p.Tyr231fs)

Gene: ZBTB20 (zinc finger and BTB domain containing 20; minus strand). Cytogenetic location: 3q13.31.
Variant type: Duplication.
Coding change: c.691dup on transcript NM_001348800.3 (MANE Select); coding-DNA position 691, one base duplicated (T; older notation c.691dupT).
Protein change: p.Tyr231fs; shifts the reading frame from tyrosine 231.
Molecular consequence: frameshift variant.
Genome position (GRCh38, 1-based): chr3:114,351,387, A duplicated on the plus strand (T on the coding strand, the reverse complement: ZBTB20 is on the minus strand). VCF-style (leftmost placement, unchanged base first): chr3-114351386-T-TA. GRCh37 (hg19) VCF-style: chr3-114070233-T-TA.
Other names: c.472dup, p.Tyr158fs (NM_015642.7, NM_001164343.2, NM_001164344.4 and 9 more transcripts); c.691dup, p.Tyr231fs (NM_001164342.2, NM_001348803.3, NM_001393393.1 and 1 more transcripts); short protein forms Y231fs, Y158fs.
Identifiers: ClinVar variation 3660416 (VCV003660416.2).
Genomic context (GRCh38, chr3:114,351,386, plus strand): 5'-GAGCACGCGTAGAGTGCCGAGTAGATCCTGTCCACGCTGTGCTGTGGGTGGCTCTGCAGG[T>TA]AGCCCGACTCCGTGTCGCTGCTCTGGCCTGACGTGCCTGACTCGGGAGTGCCCCGCGGCG-3'

ClinVar aggregate classification (germline): Pathogenic (1 of 4 stars; one submission).

Submission:

Labcorp Genetics (formerly Invitae), Labcorp
Classification: Pathogenic. Last evaluated: 2024-07-30. Review status: criteria provided, single submitter. Criteria: Invitae Variant Classification Sherloc (09022015). Collection method: clinical testing. Allele origin: germline.
Comment: This sequence change creates a premature translational stop signal (p.Tyr231Leufs*63) in the ZBTB20 gene. It is expected to result in an absent or disrupted protein product. Loss-of-function variants in ZBTB20 are known to be pathogenic (PMID: 32071410). This variant is not present in population databases (gnomAD no frequency). This variant has not been reported in the literature in individuals affected with ZBTB20-related conditions. For these reasons, this variant has been classified as Pathogenic.

Literature cited by the submitters: PubMed 32071410.